The following is an entry in ClinVar:

NM_006939.4(SOS2):c.577TCT[1] (p.Ser194del)

Gene: SOS2 (SOS Ras/Rho guanine nucleotide exchange factor 2; minus strand). Cytogenetic location: 14q21.3.
Variant type: Microsatellite.
Coding change: c.577TCT[1] on transcript NM_006939.4 (MANE Select); one copy of the 3-base unit TCT starting at c.577; the reference has two copies in a row; one copy, 3 bases deleted; also written c.580_582del.
Protein change: p.Ser194del; deletes serine 194.
Molecular consequence: inframe deletion.
Genome position (GRCh38, 1-based): chr14:50,188,629-50,188,631, AGA deleted on the plus strand (TCT on the coding strand, the reverse complement: SOS2 is on the minus strand); deleting any 3 consecutive bases within chr14:50,188,629-50,188,635 gives the same sequence; the position shown is the placement nearest the transcript's 3' end. VCF-style (leftmost placement, unchanged base first): chr14-50188628-CAGA-C. GRCh37 (hg19) VCF-style: chr14-50655346-CAGA-C.
Other names: c.580_582del (NM_006939.2); short protein forms S194del.
Identifiers: ClinVar variation 1404122 (VCV001404122.9), dbSNP rs769352438, ClinGen allele CA7177495.
Genomic context (GRCh38, chr14:50,188,628, plus strand): 5'-GTAGATACTGTCTTTCTTCTGCGATTTCAGTTCTGACAAGATCATAGTAGTTTAATTCAC[CAGA>C]AGAACTAGGTTCATCTTCACAGAGAGAAACCAAACCTATGTCATCCTGATCAAACATGTC-3'

ClinVar aggregate classification (germline): Uncertain significance. Review status: criteria provided, multiple submitters, no conflicts (2 of 4 stars). 2 submissions from 2 submitters: Uncertain significance (2). Last evaluated 2025-07-18.

Conditions:
Noonan syndrome 9 (NS9). Identifiers: Orphanet 648, MedGen C4225282, MONDO:0014691, OMIM 616559.

Submissions (2):

GeneDx
Classification: Uncertain significance. Last evaluated: 2025-07-18. Review status: criteria provided, single submitter. Criteria: GeneDx Variant Classification Process June 2021. Collection method: clinical testing. Allele origin: germline. Affected: yes.
Comment: In-frame deletion of 1 amino acid in a non-repeat region; In silico analysis supports a deleterious effect on protein structure/function; Has not been previously published as pathogenic or benign to our knowledge

Labcorp Genetics (formerly Invitae), Labcorp
Classification: Uncertain significance for Noonan syndrome 9. Last evaluated: 2024-03-12. Review status: criteria provided, single submitter. Criteria: Invitae Variant Classification Sherloc (09022015). Collection method: clinical testing. Allele origin: germline.
Comment: This variant, c.580_582del, results in the deletion of 1 amino acid(s) of the SOS2 protein (p.Ser194del), but otherwise preserves the integrity of the reading frame. This variant is present in population databases (rs769352438, gnomAD 0.003%). This variant has not been reported in the literature in individuals affected with SOS2-related conditions. Experimental studies and prediction algorithms are not available or were not evaluated, and the functional significance of this variant is currently unknown. In summary, the available evidence is currently insufficient to determine the role of this variant in disease. Therefore, it has been classified as a Variant of Uncertain Significance.